The following is an entry in ClinVar:

ClinVar aggregate classification (germline): Likely benign. Review status: criteria provided, multiple submitters, no conflicts (2 of 4 stars). 3 submissions from 3 submitters: Likely benign (3). Last evaluated 2026-08-14.

Conditions:
MERTK-related disorder. Also called: MERTK-related condition.

Allele frequency attached by ClinVar (database versions not stated): gnomAD exomes 0.00002; ExAC 0.00003; gnomAD 0.00003; TOPMed 0.00003.
gnomAD v4.1: 23 of 1,613,988 alleles (0.0014%); highest among the groups gnomAD compares: African/African-American, 0.0027%; no homozygotes.

Submissions (3):

PreventionGenetics, part of Exact Sciences
Classification: Likely benign for MERTK-related condition. Last evaluated: 2026-08-14. Review status: criteria provided, single submitter. Criteria: ACMG Guidelines, 2015. Collection method: clinical testing. Allele origin: germline.
Comment: This variant is classified as likely benign based on ACMG/AMP sequence variant interpretation guidelines (Richards et al. 2015 PMID: 25741868, with internal and published modifications).

Labcorp Genetics (formerly Invitae), Labcorp
Classification: Likely benign. Last evaluated: 2026-01-26. Review status: criteria provided, single submitter. Criteria: Invitae Variant Classification Sherloc (09022015). Collection method: clinical testing. Allele origin: germline.

Blueprint Genetics
Classification: Likely benign. Last evaluated: 2023-05-03. Review status: criteria provided, single submitter. Criteria: ACMG Guidelines, 2015. Collection method: clinical testing. Allele origin: germline.

NM_006343.3(MERTK):c.99G>A (p.Pro33=)

Gene: MERTK (MER proto-oncogene, tyrosine kinase; plus strand). Cytogenetic location: 2q13.
Variant type: single nucleotide variant.
Coding change: c.99G>A on transcript NM_006343.3 (MANE Select); coding-DNA position 99, G replaced by A.
Protein change: p.Pro33=; no amino-acid change (proline 33 retained).
Molecular consequence: synonymous variant.
Genome position (GRCh38, 1-based): chr2:111,929,157, G>A. VCF-style: chr2-111929157-G-A. GRCh37 (hg19) VCF-style: chr2-112686734-G-A.
Other names: c.99G>A (NM_006343.2).
Identifiers: ClinVar variation 1125784 (VCV001125784.11), dbSNP rs771189892, ClinGen allele CA1830977.
Genomic context (GRCh38, chr2:111,929,157, plus strand): 5'-AATTTGGATGTTCTGTTTTACAGCTATCACTGAGGCAAGGGAAGAAGCCAAGCCTTACCC[G>A]CTATTCCCGGGACCTTTTCCAGGGAGCCTGCAAACTGACCACACACCGCTGTTATCCCTT-3'
Protein context (NP_006334.2, residues 23-43): TEAREEAKPY[Pro33=]LFPGPFPGSL